The following is an entry in ClinVar:

ClinVar aggregate classification (germline): Uncertain significance (1 of 4 stars; one submission).

Conditions:
Retinoblastoma (RB1). Also called: RETINOBLASTOMA, SOMATIC. Identifiers: Orphanet 790, MedGen C0035335, MeSH D012175, MONDO:0008380, OMIM 180200, HP:0009919. Disease mechanism: loss of function. Inheritance: Both sporadic and heritable forms are tested..

gnomAD v4.1: 1 of 1,197,690 alleles (0.000083%); highest among the groups gnomAD compares: Non-Finnish European, 0.00011%; no homozygotes.

Submission:

Labcorp Genetics (formerly Invitae), Labcorp
Classification: Uncertain significance for Retinoblastoma. Last evaluated: 2024-11-12. Review status: criteria provided, single submitter. Criteria: Invitae Variant Classification Sherloc (09022015). Collection method: clinical testing. Allele origin: germline.
Comment: This variant occurs in a non-coding region of the RB1 gene. It does not change the encoded amino acid sequence of the RB1 protein. This variant is not present in population databases (gnomAD no frequency). This variant has not been reported in the literature in individuals affected with RB1-related conditions. In summary, the available evidence is currently insufficient to determine the role of this variant in disease. Therefore, it has been classified as a Variant of Uncertain Significance.

NM_000321.3(RB1):c.-157C>T

Gene: RB1 (RB transcriptional corepressor 1; plus strand). Cytogenetic location: 13q14.2.
Variant type: single nucleotide variant.
Coding change: c.-157C>T on transcript NM_000321.3 (MANE Select); 157 bases upstream of the start codon, C replaced by T.
Molecular consequence: 5 prime UTR variant.
Genome position (GRCh38, 1-based): chr13:48,303,756, C>T. VCF-style: chr13-48303756-C-T. GRCh37 (hg19) VCF-style: chr13-48877892-C-T.
Other names: c.-157C>T (NM_001407165.1, NM_001407166.1, NM_001407167.1).
Identifiers: ClinVar variation 3666251 (VCV003666251.2).